The following is an entry in ClinVar:

ClinVar aggregate classification (germline): Uncertain significance. Review status: reviewed by expert panel (3 of 4 stars). 4 submissions from 4 submitters: Uncertain significance (1). 3 of the submissions do not count toward it. Last evaluated 2025-08-01.

Conditions:
RYR1-related disorder. Also called: RYR1-related disorders; RYR1-related condition. Identifiers: MedGen CN239331.
Malignant hyperthermia, susceptibility to, 1 (MHS1). Also called: RYR1-Related Malignant Hyperthermia Susceptibility; Malignant hyperthermia suceptibility 1; Anesthesia related hyperthermia; Malignant hyperpyrexia; Fulminating hyperpyrexia; Pharmacogenic myopathy. Identifiers: Orphanet 423, MedGen C2930980, MONDO:0007783, OMIM 145600.

gnomAD v4.1: 3 of 1,613,982 alleles (0.00019%); highest among the groups gnomAD compares: Non-Finnish European, 0.00017%; no homozygotes.

Submissions (4):

ClinGen Malignant Hyperthermia Susceptibility Variant Curation Expert Panel, ClinGen
Classification: Uncertain significance for Malignant hyperthermia, susceptibility to, 1. Last evaluated: 2025-08-01. Review status: reviewed by expert panel. Criteria: RYR1-MHS Interpretation Guidelines V2. Collection method: curation. Allele origin: germline. Inheritance: Autosomal dominant inheritance.
Comment: This pathogenicity assessment is relevant only for malignant hyperthermia susceptibility (MHS) inherited in an autosomal dominant pattern. Variants in RYR1 can also cause other myopathies inherited in an autosomal dominant pattern or in an autosomal recessive pattern. Some of these disorders may predispose individuals to malignant hyperthermia. RYR1 variants may also contribute to a malignant hyperthermia reaction in combination with other genetic and non-genetic factors and the clinician needs to consider such factors in making management decisions. This sequence variant predicts a substitution of histidine with glutamine at codon 2204 of the RYR1 protein, p.(His2204Gln). This variant was not present in a large population database (gnomAD) at the time this variant was interpreted. This variant has been reported in six unrelated individuals who have a personal or family history of a malignant hyperthermia reaction; six of these individuals had a positive in vitro contracture test (IVCT) or caffeine halothane contracture test (CHCT) result (if the proband was unavailable for testing, a positive diagnostic test result in a mutation-positive relative was counted), PS4_Moderate (PMID:30236257, MH Investigation Unit (MHIU), UHN, Toronto). No functional studies were identified for this variant. This variant resides in a region of RYR1 considered to be a hotspot for pathogenic variants that contribute to MHS, PM1 (PMID: 21118704). A REVEL score of 0.739 supports neither a pathogenic nor a benign status for this variant. This variant has been classified as a Variant of Unknown Significance. Criteria implemented: PS4_Moderate, PM1.

Labcorp Genetics (formerly Invitae), Labcorp
Classification: Pathogenic for RYR1-related disorder. Last evaluated: 2024-07-01. Review status: criteria provided, single submitter. Criteria: Invitae Variant Classification Sherloc (09022015). Collection method: clinical testing. Allele origin: germline. Not counted in ClinVar's aggregate classification.
Comment: This sequence change replaces histidine, which is basic and polar, with glutamine, which is neutral and polar, at codon 2204 of the RYR1 protein (p.His2204Gln). This variant is not present in population databases (gnomAD no frequency). This missense change has been observed in individual(s) with malignant hyperthermia susceptibility and/or autosomal recessive multiminicore disease (PMID: 21674524, 30236257). ClinVar contains an entry for this variant (Variation ID: 133163). Advanced modeling of protein sequence and biophysical properties (such as structural, functional, and spatial information, amino acid conservation, physicochemical variation, residue mobility, and thermodynamic stability) has been performed at Invitae for this missense variant, however the output from this modeling did not meet the statistical confidence thresholds required to predict the impact of this variant on RYR1 protein function. For these reasons, this variant has been classified as Pathogenic.

PreventionGenetics, part of Exact Sciences
Classification: Uncertain significance. Last evaluated: 2016-02-17. Review status: criteria provided, single submitter. Criteria: ACMG Guidelines, 2015. Collection method: clinical testing. Allele origin: germline. Not counted in ClinVar's aggregate classification.

RYR1 database
No classification provided. Review status: no classification provided. Collection method: not provided. Allele origin: unknown. Not counted in ClinVar's aggregate classification.

Literature cited by the submitters: PubMed 21674524 (cited by Labcorp Genetics (formerly Invitae), Labcorp); PubMed 30236257 (cited by Labcorp Genetics (formerly Invitae), Labcorp).

NM_000540.3(RYR1):c.6612C>G (p.His2204Gln)

Gene: RYR1 (ryanodine receptor 1; plus strand). Cytogenetic location: 19q13.2.
Variant type: single nucleotide variant.
Coding change: c.6612C>G on transcript NM_000540.3 (MANE Select); coding-DNA position 6612, C replaced by G.
Protein change: p.His2204Gln; replaces histidine 2204 with glutamine.
Molecular consequence: missense variant.
Genome position (GRCh38, 1-based): chr19:38,496,278, C>G. VCF-style: chr19-38496278-C-G. GRCh37 (hg19) VCF-style: chr19-38986918-C-G.
Other names: NM_000540.2(RYR1):c.6612C>G; c.6612C>G, p.His2204Gln (NM_001042723.2); short protein forms H2204Q.
Identifiers: ClinVar variation 133163 (VCV000133163.13), dbSNP rs141646642, ClinGen allele CA024617.